The following is an entry in ClinVar:

NM_001014.5(RPS10):c.293G>A (p.Arg98His)

Genes: RPS10 (ribosomal protein S10; minus strand), RPS10-NUDT3 (RPS10-NUDT3 readthrough; minus strand). Cytogenetic location: 6p21.31.
Variant type: single nucleotide variant.
Coding change: c.293G>A on transcript NM_001014.5 (MANE Select); coding-DNA position 293, G replaced by A.
Protein change: p.Arg98His; replaces arginine 98 with histidine.
Molecular consequence: missense variant.
Genome position (GRCh38, 1-based): chr6:34,424,698, C>T on the plus strand (G>A on the coding strand, the complement: RPS10 is on the minus strand). VCF-style: chr6-34424698-C-T. GRCh37 (hg19) VCF-style: chr6-34392475-C-T.
Other names: c.293G>A, p.Arg98His (NM_001202470.3, NM_001203245.3, NM_001204091.2); c.293G>A (NM_001202470.2); short protein forms R98H.
Identifiers: ClinVar variation 3023391 (VCV003023391.4), dbSNP rs761359260, ClinGen allele CA3765083.

ClinVar aggregate classification (germline): Uncertain significance. Review status: criteria provided, multiple submitters, no conflicts (2 of 4 stars). 2 submissions from 2 submitters: Uncertain significance (2). Last evaluated 2025-01-08.

Conditions:
Diamond-Blackfan anemia. Also called: Blackfan Diamond syndrome; Aregenerative anemia chronic congenital; Red cell aplasia, pure hereditary; Congenital hypoplastic anemia; Aase syndrome. Identifiers: Orphanet 124, MedGen C1260899, MeSH D029503, MONDO:0015253, HP:0004810.

Allele frequency attached by ClinVar (database versions not stated): gnomAD 0.00001; TOPMed 0.00002.
gnomAD v4.1: 14 of 1,614,012 alleles (0.00087%); highest among the groups gnomAD compares: African/African-American, 0.0013%; no homozygotes.

Submissions (2):

Ambry Genetics
Classification: Uncertain significance. Last evaluated: 2025-01-08. Review status: criteria provided, single submitter. Criteria: Ambry Variant Classification Scheme 2023. Collection method: clinical testing. Allele origin: germline.

Labcorp Genetics (formerly Invitae), Labcorp
Classification: Uncertain significance for Diamond-Blackfan anemia. Last evaluated: 2023-10-23. Review status: criteria provided, single submitter. Criteria: Invitae Variant Classification Sherloc (09022015). Collection method: clinical testing. Allele origin: germline.
Comment: This sequence change replaces arginine, which is basic and polar, with histidine, which is basic and polar, at codon 98 of the RPS10 protein (p.Arg98His). This variant is present in population databases (rs761359260, gnomAD 0.007%). This variant has not been reported in the literature in individuals affected with RPS10-related conditions. An algorithm developed to predict the effect of missense changes on protein structure and function (PolyPhen-2) suggests that this variant is likely to be tolerated. In summary, the available evidence is currently insufficient to determine the role of this variant in disease. Therefore, it has been classified as a Variant of Uncertain Significance.